The following is an entry in ClinVar:

NM_002161.6(IARS1):c.1531C>T (p.Arg511Cys)

Gene: IARS1 (isoleucyl-tRNA synthetase 1; minus strand). Cytogenetic location: 9q22.31.
Variant type: single nucleotide variant.
Coding change: c.1531C>T on transcript NM_002161.6 (MANE Select); coding-DNA position 1531, C replaced by T.
Protein change: p.Arg511Cys; replaces arginine 511 with cysteine.
Molecular consequence: missense variant. On other transcripts: non-coding transcript variant (1).
Genome position (GRCh38, 1-based): chr9:92,265,098, G>A on the plus strand (C>T on the coding strand, the complement: IARS1 is on the minus strand). VCF-style: chr9-92265098-G-A. GRCh37 (hg19) VCF-style: chr9-95027380-G-A.
Other names: c.1531C>T, p.Arg511Cys (NM_001374299.1, NM_001374300.1, NM_001374301.1 and 14 more transcripts); c.1594C>T, p.Arg532Cys (NM_001378569.1); c.1552C>T, p.Arg518Cys (NM_001378571.1); c.1408C>T, p.Arg470Cys (NM_001378583.1); c.1531C>T (NM_013417.2); short protein forms R470C, R511C, R532C, R518C.
Identifiers: ClinVar variation 1030521 (VCV001030521.3), dbSNP rs371250371, ClinGen allele CA5122578.

ClinVar aggregate classification (germline): Uncertain significance. Review status: criteria provided, multiple submitters, no conflicts (2 of 4 stars). 3 submissions from 3 submitters: Uncertain significance (3). Last evaluated 2024-03-31.

Conditions:
Growth retardation, intellectual developmental disorder, hypotonia, and hepatopathy (GRIDHH). Also called: GROWTH RETARDATION, IMPAIRED INTELLECTUAL DEVELOPMENT, HYPOTONIA, AND HEPATOPATHY. Identifiers: Orphanet 541423, MedGen C4310720, MONDO:0014911, OMIM 617093.

Allele frequency attached by ClinVar (database versions not stated): gnomAD exomes 0.00004 and 0.00005; ExAC 0.00005; gnomAD 0.00005; TOPMed 0.00006; ESP Exome Variant Server 0.00008.
gnomAD v4.1: 69 of 1,613,584 alleles (0.0043%); highest among the groups gnomAD compares: East Asian, 0.011%; no homozygotes.

Submissions (3):

Ambry Genetics
Classification: Uncertain significance. Last evaluated: 2024-03-31. Review status: criteria provided, single submitter. Criteria: Ambry Variant Classification Scheme 2023. Collection method: clinical testing. Allele origin: germline.

Victorian Clinical Genetics Services, Murdoch Childrens Research Institute
Classification: Uncertain significance for Growth retardation, intellectual developmental disorder, hypotonia, and hepatopathy. Last evaluated: 2020-05-25. Review status: criteria provided, single submitter. Criteria: ACMG Guidelines, 2015. Collection method: clinical testing. Allele origin: germline. Inheritance: Autosomal recessive inheritance. Affected: yes.
Comment: Based on the classification scheme VCGS_Germline_v1.1.1, this variant is classified as VUS – 3B. Following criteria are met: 0102 - Loss-of-function is a known mechanism of disease for this gene. (N) 0106 - This gene is known to be associated with autosomal recessive disease. (N) 0200 - Variant is predicted to result in a missense amino acid change from arginine to cysteine (exon 16). (N) 0251 - Variant is heterozygous. (N) 0304 - Variant is present in gnomAD <0.01 for a recessive condition (16 heterozygotes, 0 homozygotes). (P) 0309 - An alternative amino acid change at the same position has been observed in gnomAD (1 heterozygote, 0 homozygote). (N) 0502 - Missense variant with conflicting in silico predictions and/or uninformative conservation. (N) 0600 - Variant is located in an annotated domain or motif (tRNA synthetases class I domain; PDB). (N) 0705 - No comparable variants have previous evidence for pathogenicity. (N) 0807 - Variant has not previously been reported in a clinical context. (N) 0905 - No segregation evidence has been identified for this variant. (N) 1007 - No published functional evidence has been identified for this variant. (N) 1208 - Inheritance information for this variant is not currently available. (N) Legend: (P) - Pathogenic, (N) - Neutral, (B) - Benign

Baylor Genetics
Classification: Uncertain significance for Growth retardation, intellectual developmental disorder, hypotonia, and hepatopathy. Last evaluated: 2020-05-05. Review status: criteria provided, single submitter. Criteria: ACMG Guidelines, 2015. Collection method: clinical testing. Allele origin: unknown. Affected: yes.
Comment: This variant was determined to be of uncertain significance according to ACMG Guidelines, 2015 [PMID:25741868].